The following is an entry in ClinVar:

NM_182948.4(PRKACB):c.1163C>A (p.Thr388Lys)

Gene: PRKACB (protein kinase cAMP-activated catalytic subunit beta; plus strand). Cytogenetic location: 1p31.1.
Variant type: single nucleotide variant.
Coding change: c.1163C>A on transcript NM_182948.4 (MANE Select); coding-DNA position 1163, C replaced by A.
Protein change: p.Thr388Lys; replaces threonine 388 with lysine.
Molecular consequence: missense variant.
Genome position (GRCh38, 1-based): chr1:84,235,271, C>A. VCF-style: chr1-84235271-C-A. GRCh37 (hg19) VCF-style: chr1-84700954-C-A.
Other names: c.1043C>A, p.Thr348Lys (NM_001242857.3); c.986C>A, p.Thr329Lys (NM_001242858.3); c.1034C>A, p.Thr345Lys (NM_001242859.3); c.1040C>A, p.Thr347Lys (NM_001242860.3); c.932C>A, p.Thr311Lys (NM_001242861.3); c.983C>A, p.Thr328Lys (NM_001242862.3, NM_001375565.1); c.1016C>A, p.Thr339Lys (NM_001375561.1); c.1019C>A, p.Thr340Lys (NM_001375562.1); and 4 more; short protein forms T311K, T328K, T329K, T336K, T337K, T339K, T340K, T341K.
Identifiers: ClinVar variation 3767469 (VCV003767469.2).
Genomic context (GRCh38, chr1:84,235,271, plus strand): 5'-GCTCTGGAGATACCAGCAACTTTGATGACTATGAAGAAGAAGATATCCGTGTCTCTATAA[C>A]AGAAAAATGTGCAAAAGAATTTGGTGAATTTTAAAGAGGAACAAGATGACATCTGAGCTC-3'
Protein context (NP_891993.1, residues 378-398): YEEEDIRVSI[Thr388Lys]EKCAKEFGEF

ClinVar aggregate classification (germline): Uncertain significance (1 of 4 stars; one submission).

Submission:

GeneDx
Classification: Uncertain significance. Last evaluated: 2026-03-07. Review status: criteria provided, single submitter. Criteria: GeneDx Variant Classification Process June 2021. Collection method: clinical testing. Allele origin: germline.
Comment: Not observed at significant frequency in large population cohorts (gnomAD); In silico analysis suggests that this missense variant does not alter protein structure/function; Has not been previously published as pathogenic or benign to our knowledge